The following is an entry in ClinVar:

ClinVar aggregate classification (germline): Uncertain significance (1 of 4 stars; one submission).

Conditions:
Neurodevelopmental disorder with language delay and variable cognitive abnormalities (NEDLC). Identifiers: MedGen C5882689, MONDO:0957779, OMIM 620502.

Submission:

3billion
Classification: Uncertain significance for Neurodevelopmental disorder with language delay and variable cognitive abnormalities. Last evaluated: 2025-12-02. Review status: criteria provided, single submitter. Criteria: ACMG Guidelines, 2015. Collection method: clinical testing. Allele origin: germline. Affected: yes.
Comment: The variant is not observed in the gnomAD v4.1.0 dataset. Predicted Consequence/Location: Missense variant. Missense changes are a common disease-causing mechanism. In silico tools predict the variant to alter splicing and produce an abnormal transcript [SpliceAI: 0.34 (>=0.2, moderate evidence for spliceogenicity)]. Therefore, this variant is classified as VUS according to the recommendation of ACMG/AMP guideline.

NM_001470.4(GABBR1):c.1705A>G (p.Ile569Val)

Gene: GABBR1 (gamma-aminobutyric acid type B receptor subunit 1; minus strand). Cytogenetic location: 6p22.1.
Variant type: single nucleotide variant.
Coding change: c.1705A>G on transcript NM_001470.4 (MANE Select); coding-DNA position 1705, A replaced by G.
Protein change: p.Ile569Val; replaces isoleucine 569 with valine.
Molecular consequence: missense variant.
Genome position (GRCh38, 1-based): chr6:29,610,927, T>C on the plus strand (A>G on the coding strand, the complement: GABBR1 is on the minus strand). VCF-style: chr6-29610927-T-C. GRCh37 (hg19) VCF-style: chr6-29578704-T-C.
Other names: c.1174A>G, p.Ile392Val (NM_001319053.2); c.1354A>G, p.Ile452Val (NM_021903.3); c.1519A>G, p.Ile507Val (NM_021904.4); short protein forms I392V, I452V, I507V, I569V.
Identifiers: ClinVar variation 4856365 (VCV004856365.1).